The following is an entry in ClinVar:

NM_001458.5(FLNC):c.5582A>G (p.His1861Arg)

Genes: FLNC (filamin C; plus strand), FLNC-AS1 (FLNC antisense RNA 1; minus strand). Cytogenetic location: 7q32.1.
Variant type: single nucleotide variant.
Coding change: c.5582A>G on transcript NM_001458.5 (MANE Select); coding-DNA position 5582, A replaced by G.
Protein change: p.His1861Arg; replaces histidine 1861 with arginine.
Molecular consequence: missense variant.
Genome position (GRCh38, 1-based): chr7:128,851,274, A>G. VCF-style: chr7-128851274-A-G. GRCh37 (hg19) VCF-style: chr7-128491328-A-G.
Other names: c.5483A>G, p.His1828Arg (NM_001127487.2); short protein forms H1828R, H1861R.
Identifiers: ClinVar variation 4258271 (VCV004258271.1).

ClinVar aggregate classification (germline): Uncertain significance (1 of 4 stars; one submission).

Conditions:
Cardiovascular phenotype. Identifiers: MedGen CN230736.

gnomAD v4.1: 1 of 1,614,078 alleles (0.000062%); highest among the groups gnomAD compares: Non-Finnish European, 0.000085%; no homozygotes.

Submission:

Ambry Genetics
Classification: Uncertain significance for Cardiovascular phenotype. Last evaluated: 2025-07-03. Review status: criteria provided, single submitter. Criteria: Ambry Variant Classification Scheme 2023. Collection method: clinical testing. Allele origin: germline.
Comment: The p.H1861R variant (also known as c.5582A>G), located in coding exon 34 of the FLNC gene, results from an A to G substitution at nucleotide position 5582. The histidine at codon 1861 is replaced by arginine, an amino acid with highly similar properties. This amino acid position is conserved. In addition, this alteration is predicted to be tolerated by in silico analysis. Based on the available evidence, the clinical significance of this variant remains unclear.